The following is an entry in ClinVar:

ClinVar aggregate classification (germline): Uncertain significance. Review status: criteria provided, multiple submitters, no conflicts (2 of 4 stars). 4 submissions from 4 submitters: Uncertain significance (4). Last evaluated 2025-12-03.

Conditions:
Diaphanospondylodysostosis. Also called: VERTEBRAL OSSIFICATION, DEFECT IN, WITH NEPHROGENIC RESTS. Identifiers: Orphanet 66637, MedGen C1842691, MONDO:0011946, OMIM 608022.
Inborn genetic diseases. Identifiers: MedGen C0950123, MeSH D030342.

Allele frequency attached by ClinVar (database versions not stated): gnomAD 0.00002; gnomAD exomes 0.00004 and 0.00007; TOPMed 0.00006; ESP Exome Variant Server 0.00008; ExAC 0.00009.
gnomAD v4.1: 58 of 1,613,454 alleles (0.0036%); highest among the groups gnomAD compares: Middle Eastern, 0.016%; no homozygotes.

Submissions (4):

Labcorp Genetics (formerly Invitae), Labcorp
Classification: Uncertain significance. Last evaluated: 2025-12-03. Review status: criteria provided, single submitter. Criteria: Invitae Variant Classification Sherloc (09022015). Collection method: clinical testing. Allele origin: germline.
Comment: This sequence change replaces arginine, which is basic and polar, with cysteine, which is neutral and slightly polar, at codon 131 of the BMPER protein (p.Arg131Cys). This variant is present in population databases (rs374945016, gnomAD 0.02%). This variant has not been reported in the literature in individuals affected with BMPER-related conditions. ClinVar contains an entry for this variant (Variation ID: 910220). Invitae Evidence Modeling of protein sequence and biophysical properties (such as structural, functional, and spatial information, amino acid conservation, physicochemical variation, residue mobility, and thermodynamic stability) indicates that this missense variant is not expected to disrupt BMPER protein function with a negative predictive value of 80%. In summary, the available evidence is currently insufficient to determine the role of this variant in disease. Therefore, it has been classified as a Variant of Uncertain Significance.

Ambry Genetics
Classification: Uncertain significance for Inborn genetic diseases. Last evaluated: 2025-02-13. Review status: criteria provided, single submitter. Criteria: Ambry Variant Classification Scheme 2023. Collection method: clinical testing. Allele origin: germline.

Blueprint Genetics
Classification: Uncertain significance. Last evaluated: 2024-08-28. Review status: criteria provided, single submitter. Criteria: ACMG Guidelines, 2015. Collection method: clinical testing. Allele origin: germline.

Illumina Laboratory Services, Illumina
Classification: Uncertain significance for Diaphanospondylodysostosis. Last evaluated: 2018-01-13. Review status: criteria provided, single submitter. Criteria: ICSL Variant Classification Criteria 13 December 2019. Collection method: clinical testing. Allele origin: germline.

NM_001365308.1(BMPER):c.391C>T (p.Arg131Cys)

Gene: BMPER (BMP binding endothelial regulator; plus strand). Cytogenetic location: 7p14.3.
Variant type: single nucleotide variant.
Coding change: c.391C>T on transcript NM_001365308.1 (MANE Select); coding-DNA position 391, C replaced by T.
Protein change: p.Arg131Cys; replaces arginine 131 with cysteine.
Molecular consequence: missense variant.
Genome position (GRCh38, 1-based): chr7:33,966,550, C>T. VCF-style: chr7-33966550-C-T. GRCh37 (hg19) VCF-style: chr7-34006162-C-T.
Other names: c.391C>T, p.Arg131Cys (NM_133468.5); c.391C>T (NM_133468.3); short protein forms R131C.
Identifiers: ClinVar variation 910220 (VCV000910220.9), dbSNP rs374945016, ClinGen allele CA4215039.
Genomic context (GRCh38, chr7:33,966,550, plus strand): 5'-GAAGGAAATACCTATAACAGCTCCTTCAAATGGCAGAGCCCGGCTGAGCCTTGTGTTCTA[C>T]GCCAGTGCCAGGTAAAGTTCAATTATTTCTCTCTCCAGTAAAAAGGAATCCATAGAGTCC-3'
Protein context (NP_001352237.1, residues 121-141): WQSPAEPCVL[Arg131Cys]QCQEGVVTES